The following is an entry in ClinVar:

ClinVar aggregate classification (germline): Uncertain significance (1 of 4 stars; one submission).

Conditions:
Capillary malformation-arteriovenous malformation syndrome. Also called: Capillary malformation-arteriovenous malformation. Identifiers: Orphanet 137667, MedGen C1842180, MONDO:0012016.

gnomAD v4.1: 6 of 1,555,596 alleles (0.00039%); highest among the groups gnomAD compares: Non-Finnish European, 0.00043%; no homozygotes.

Submission:

Labcorp Genetics (formerly Invitae), Labcorp
Classification: Uncertain significance for Capillary malformation-arteriovenous malformation syndrome. Last evaluated: 2024-04-15. Review status: criteria provided, single submitter. Criteria: Invitae Variant Classification Sherloc (09022015). Collection method: clinical testing. Allele origin: germline.
Comment: This sequence change replaces proline, which is neutral and non-polar, with alanine, which is neutral and non-polar, at codon 13 of the RASA1 protein (p.Pro13Ala). This variant is present in population databases (no rsID available, gnomAD 0.002%). This variant has not been reported in the literature in individuals affected with RASA1-related conditions. An algorithm developed to predict the effect of missense changes on protein structure and function (PolyPhen-2) suggests that this variant is likely to be disruptive. In summary, the available evidence is currently insufficient to determine the role of this variant in disease. Therefore, it has been classified as a Variant of Uncertain Significance.

NM_002890.3(RASA1):c.37C>G (p.Pro13Ala)

Gene: RASA1 (RAS p21 protein activator 1; plus strand). Cytogenetic location: 5q14.3.
Variant type: single nucleotide variant.
Coding change: c.37C>G on transcript NM_002890.3 (MANE Select); coding-DNA position 37, C replaced by G.
Protein change: p.Pro13Ala; replaces proline 13 with alanine.
Molecular consequence: missense variant.
Genome position (GRCh38, 1-based): chr5:87,268,488, C>G. VCF-style: chr5-87268488-C-G. GRCh37 (hg19) VCF-style: chr5-86564305-C-G.
Other names: short protein forms P13A.
Identifiers: ClinVar variation 3672214 (VCV003672214.2).